The following is an entry in ClinVar:

NM_000173.7(GP1BA):c.137C>T (p.Pro46Leu)

Gene: GP1BA (glycoprotein Ib platelet subunit alpha; plus strand). Cytogenetic location: 17p13.2.
Variant type: single nucleotide variant.
Coding change: c.137C>T on transcript NM_000173.7 (MANE Select); coding-DNA position 137, C replaced by T.
Protein change: p.Pro46Leu; replaces proline 46 with leucine.
Molecular consequence: missense variant.
Genome position (GRCh38, 1-based): chr17:4,932,741, C>T. VCF-style: chr17-4932741-C-T. GRCh37 (hg19) VCF-style: chr17-4836036-C-T.
Other names: c.137C>T (NM_000173.5); short protein forms P46L.
Identifiers: ClinVar variation 1679418 (VCV001679418.8), dbSNP rs760759446, ClinGen allele CA8314703.

ClinVar aggregate classification (germline): Conflicting classifications of pathogenicity. Review status: criteria provided, conflicting classifications (1 of 4 stars). 5 submissions from 5 submitters: Likely pathogenic (1); Uncertain significance (3). 1 of the submissions does not count toward it. Last evaluated 2026-01-08.

Conditions:
Bernard-Soulier syndrome, type A2, autosomal dominant (BSSA2). Also called: Bernard-Soulier syndrome, type A2 (dominant). Identifiers: Orphanet 274, MedGen C3277076, MONDO:0007930, OMIM 153670.
Inborn genetic diseases. Identifiers: MedGen C0950123, MeSH D030342.
Bernard Soulier syndrome (BSS). Also called: Platelet Glycoprotein 1b, Deficiency of; Giant platelet syndrome; Hemorrhagiparous thrombocytic dystrophy; Giant platelet disease; BLEEDING DISORDER, PLATELET-TYPE, 1; GLYCOPROTEIN Ib, PLATELET, DEFICIENCY OF. Identifiers: Orphanet 274, MedGen C0005129, MeSH D001606, MONDO:0009276, OMIM 231200.

Allele frequency attached by ClinVar (database versions not stated): gnomAD 0.00003.

Submissions (5):

Dasa
Classification: Uncertain significance. Last evaluated: 2026-01-08. Review status: criteria provided, single submitter. Criteria: DASA Assertion Criteria. Collection method: clinical testing. Allele origin: germline.
Comment: NM_000173.7(GP1BA):c.137C>T (p.Pro46Leu) is a missense variant that results in the substitution of proline with leucine. This classification is supported by population frequency inconsistent with a disease-causing role. The currently available literature and clinical evidence are not sufficient to establish a definitive association between this variant and the reported condition. Therefore, this variant is classified as a variant of uncertain significance.

Women's Health and Genetics/Laboratory Corporation of America, LabCorp
Classification: Uncertain significance. Last evaluated: 2025-10-03. Review status: criteria provided, single submitter. Criteria: LabCorp Variant Classification Summary - May 2015. Collection method: clinical testing. Allele origin: germline.
Comment: Variant summary: GP1BA c.137C>T (p.Pro46Leu) results in a non-conservative amino acid change in the encoded protein sequence. Algorithms developed to predict the effect of missense changes on protein structure and function are either unavailable or do not agree on the potential impact of this missense change. The variant allele was found at a frequency of 4.4e-05 in 249410 control chromosomes. This frequency is not significantly higher than estimated for disease-causing variants in GP1BA, allowing no conclusion about variant significance. To our knowledge, no occurrence of c.137C>T in individuals affected with GP1BA-related conditions and no experimental evidence demonstrating its impact on protein function have been reported. ClinVar contains an entry for this variant (Variation ID: 1679418). Based on the evidence outlined above, the variant was classified as uncertain significance.

Ambry Genetics
Classification: Uncertain significance for Inborn genetic diseases. Last evaluated: 2024-01-31. Review status: criteria provided, single submitter. Criteria: Ambry Variant Classification Scheme 2023. Collection method: clinical testing. Allele origin: germline.

ISTH-SSC Genomics in Thrombosis and Hemostasis, KU Leuven, Center for Molecular and Vascular Biology
Classification: Likely pathogenic for Bernard-Soulier syndrome, type A2, autosomal dominant. Review status: criteria provided, single submitter. Criteria: ACMG Guidelines, 2015. Collection method: clinical testing. Allele origin: germline. Affected: yes. Observed: 1 heterozygote.
Comment: Submitted to GoldVariant by Jose María Bastida and José Rivera; Grupo Español de Alteraciones Plaquetarias Congénitas (GEAPC)

Unidade de Genética Molecular, Centro Hospitalar Universitário do Porto
Classification: Likely pathogenic for Bernard Soulier syndrome. Last evaluated: 2022-05-02. Review status: no assertion criteria provided. Collection method: research. Allele origin: germline. Inheritance: Autosomal dominant inheritance. Affected: yes. Not counted in ClinVar's aggregate classification.